The following is an entry in ClinVar:

NM_006904.7(PRKDC):c.1343A>G (p.Gln448Arg)

Gene: PRKDC (protein kinase, DNA-activated, catalytic subunit; minus strand). Cytogenetic location: 8q11.21.
Variant type: single nucleotide variant.
Coding change: c.1343A>G on transcript NM_006904.7 (MANE Select); coding-DNA position 1343, A replaced by G.
Protein change: p.Gln448Arg; replaces glutamine 448 with arginine.
Molecular consequence: missense variant.
Genome position (GRCh38, 1-based): chr8:47,935,836, T>C on the plus strand (A>G on the coding strand, the complement: PRKDC is on the minus strand). VCF-style: chr8-47935836-T-C. GRCh37 (hg19) VCF-style: chr8-48848396-T-C.
Other names: c.1343A>G, p.Gln448Arg (NM_001081640.2); short protein forms Q448R.
Identifiers: ClinVar variation 2103713 (VCV002103713.5), dbSNP rs776912170, ClinGen allele CA4741754.

ClinVar aggregate classification (germline): Uncertain significance. Review status: criteria provided, multiple submitters, no conflicts (2 of 4 stars). 2 submissions from 2 submitters: Uncertain significance (2). Last evaluated 2023-12-19.

Conditions:
Severe combined immunodeficiency due to DNA-PKcs deficiency. Also called: IMMUNODEFICIENCY 26 WITH NEUROLOGIC ABNORMALITIES; Immunodeficiency 26 with or without neurologic abnormalities. Identifiers: Orphanet 317425, MedGen C4014833, MONDO:0014423, OMIM 615966.

Allele frequency attached by ClinVar (database versions not stated): gnomAD exomes below 0.00001; ExAC 0.00001.
gnomAD v4.1: 1 of 1,614,016 alleles (0.000062%); highest among the groups gnomAD compares: Admixed American, 0.0017%; no homozygotes.

Submissions (2):

Ambry Genetics
Classification: Uncertain significance. Last evaluated: 2023-12-19. Review status: criteria provided, single submitter. Criteria: Ambry Variant Classification Scheme 2023. Collection method: clinical testing. Allele origin: germline.
Comment: The p.Q448R variant (also known as c.1343A>G), located in coding exon 13 of the PRKDC gene, results from an A to G substitution at nucleotide position 1343. The glutamine at codon 448 is replaced by arginine, an amino acid with highly similar properties. This amino acid position is conserved. In addition, this alteration is predicted to be tolerated by in silico analysis. Since supporting evidence is limited at this time, the clinical significance of this alteration remains unclear.

Labcorp Genetics (formerly Invitae), Labcorp
Classification: Uncertain significance for Severe combined immunodeficiency due to DNA-PKcs deficiency. Last evaluated: 2022-03-01. Review status: criteria provided, single submitter. Criteria: Invitae Variant Classification Sherloc (09022015). Collection method: clinical testing. Allele origin: germline.
Comment: In summary, the available evidence is currently insufficient to determine the role of this variant in disease. Therefore, it has been classified as a Variant of Uncertain Significance. Experimental studies and prediction algorithms are not available or were not evaluated, and the functional significance of this variant is currently unknown. This sequence change replaces glutamine, which is neutral and polar, with arginine, which is basic and polar, at codon 448 of the PRKDC protein (p.Gln448Arg). This variant is present in population databases (rs776912170, gnomAD 0.003%). This variant has not been reported in the literature in individuals affected with PRKDC-related conditions.